The following is an entry in ClinVar:

NM_001963.6(EGF):c.1853G>A (p.Gly618Glu)

Gene: EGF (epidermal growth factor; plus strand). Cytogenetic location: 4q25.
Variant type: single nucleotide variant.
Coding change: c.1853G>A on transcript NM_001963.6 (MANE Select); coding-DNA position 1853, G replaced by A.
Protein change: p.Gly618Glu; replaces glycine 618 with glutamic acid.
Molecular consequence: missense variant.
Genome position (GRCh38, 1-based): chr4:109,976,035, G>A. VCF-style: chr4-109976035-G-A. GRCh37 (hg19) VCF-style: chr4-110897191-G-A.
Other names: c.1853G>A, p.Gly618Glu (NM_001178130.3); c.1727G>A, p.Gly576Glu (NM_001178131.3, NM_001357021.2); short protein forms G576E, G618E.
Identifiers: ClinVar variation 1463337 (VCV001463337.6), dbSNP rs866358449, ClinGen allele CA103736212.
Genomic context (GRCh38, chr4:109,976,035, plus strand): 5'-TGCAGATATTATTTGTTGTGTGCTTTCTTGATTAAAGGAGATTATTCTGGACTGATACAG[G>A]GATTAATCCACGAATTGAAAGTTCTTCCCTCCAAGGCCTTGGCCGTCTGGTTATAGCCAG-3'
Protein context (NP_001954.2, residues 608-628): MAKRLFWTDT[Gly618Glu]INPRIESSSL

ClinVar aggregate classification (germline): Uncertain significance (1 of 4 stars; one submission).

Allele frequency attached by ClinVar (database versions not stated): gnomAD exomes below 0.00001; TOPMed 0.00001.
gnomAD v4.1: 1 of 1,613,916 alleles (0.000062%); highest among the groups gnomAD compares: Admixed American, 0.0017%; no homozygotes.

Submission:

Labcorp Genetics (formerly Invitae), Labcorp
Classification: Uncertain significance. Last evaluated: 2024-11-21. Review status: criteria provided, single submitter. Criteria: Invitae Variant Classification Sherloc (09022015). Collection method: clinical testing. Allele origin: germline.
Comment: This sequence change replaces glycine, which is neutral and non-polar, with glutamic acid, which is acidic and polar, at codon 618 of the EGF protein (p.Gly618Glu). This variant is not present in population databases (gnomAD no frequency). This variant has not been reported in the literature in individuals affected with EGF-related conditions. ClinVar contains an entry for this variant (Variation ID: 1463337). An algorithm developed to predict the effect of missense changes on protein structure and function (PolyPhen-2) suggests that this variant is likely to be disruptive. In summary, the available evidence is currently insufficient to determine the role of this variant in disease. Therefore, it has been classified as a Variant of Uncertain Significance.